The following is an entry in ClinVar:

ClinVar aggregate classification (germline): Uncertain significance (1 of 4 stars; one submission).

Conditions:
Alstrom syndrome (ALMS). Identifiers: Orphanet 64, MedGen C0268425, MONDO:0008763, OMIM 203800.

Submission:

Labcorp Genetics (formerly Invitae), Labcorp
Classification: Uncertain significance for Alstrom syndrome. Last evaluated: 2022-10-28. Review status: criteria provided, single submitter. Criteria: Invitae Variant Classification Sherloc (09022015). Collection method: clinical testing. Allele origin: germline.
Comment: This variant results in a copy number gain of the genomic region encompassing exon(s) 22-23 of the ALMS1 gene. This region includes the termination codon of the gene. This copy number gain extends beyond the assayed region for this gene and therefore may encompass additional genes. As the precise location of this event is unknown, it may be in tandem or it may be located elsewhere in the genome. This variant has not been reported in the literature in individuals affected with ALMS1-related conditions. Experimental studies and prediction algorithms are not available or were not evaluated, and the functional significance of this variant is currently unknown. In summary, the available evidence is currently insufficient to determine the role of this variant in disease. Therefore, it has been classified as a Variant of Uncertain Significance.

NC_000002.11:g.(?_73835582)_(73836739_?)dup

Gene: ALMS1 (ALMS1 centrosome and basal body associated protein; plus strand). Cytogenetic location: 2p13.1.
Variant type: Duplication.
Identifiers: ClinVar variation 1411910 (VCV001411910.4).